The following is an entry in ClinVar:

NM_001853.4(COL9A3):c.1402-6C>T

Genes: COL9A3 (collagen type IX alpha 3 chain; plus strand), LOC126863084 (MED14-independent group 3 enhancer GRCh37_chr20:61467141-61468340; plus strand). Cytogenetic location: 20q13.33.
Variant type: single nucleotide variant.
Coding change: c.1402-6C>T on transcript NM_001853.4 (MANE Select); 6 bases into the intron before coding-DNA position 1402, C replaced by T.
Molecular consequence: intron variant.
Genome position (GRCh38, 1-based): chr20:62,836,181, C>T. VCF-style: chr20-62836181-C-T. GRCh37 (hg19) VCF-style: chr20-61467533-C-T.
Other names: c.1402-6C>T (LRG_1253t1).
Identifiers: ClinVar variation 339292 (VCV000339292.13), dbSNP rs201909515, ClinGen allele CA9949969.

ClinVar aggregate classification (germline): Benign/Likely benign. Review status: criteria provided, multiple submitters, no conflicts (2 of 4 stars). 3 submissions from 3 submitters: Benign (1); Likely benign (2). Last evaluated 2025-09-14.

Allele frequency attached by ClinVar (database versions not stated): TOPMed 0.00003; gnomAD 0.00004 and 0.00007; gnomAD exomes 0.00007; ExAC 0.00009; 1000 Genomes Project 30x 0.00016; 1000 Genomes Project 0.00020.
gnomAD v4.1: 199 of 1,613,110 alleles (0.012%); highest among the groups gnomAD compares: East Asian, 0.4%; 2 homozygotes.

Submissions (3):

Labcorp Genetics (formerly Invitae), Labcorp
Classification: Likely benign. Last evaluated: 2025-09-14. Review status: criteria provided, single submitter. Criteria: Invitae Variant Classification Sherloc (09022015). Collection method: clinical testing. Allele origin: germline.

Blueprint Genetics
Classification: Likely benign. Last evaluated: 2024-11-22. Review status: criteria provided, single submitter. Criteria: ACMG Guidelines, 2015. Collection method: clinical testing. Allele origin: germline.

Women's Health and Genetics/Laboratory Corporation of America, LabCorp
Classification: Benign. Last evaluated: 2024-02-15. Review status: criteria provided, single submitter. Criteria: LabCorp Variant Classification Summary - May 2015. Collection method: clinical testing. Allele origin: germline.
Comment: Variant summary: COL9A3 c.1402-6C>T alters a non-conserved nucleotide located close to a canonical splice site and therefore could affect mRNA splicing, leading to a significantly altered protein sequence. Consensus agreement among computation tools predict no significant impact on normal splicing. However, these predictions have yet to be confirmed by functional studies. The variant allele was found at a frequency of 0.00012 in 1613110 control chromosomes, predominantly at a frequency of 0.004 within the East Asian subpopulation in the gnomAD database, including 2 homozygotes. The observed variant frequency within East Asian control individuals in the gnomAD database conservatively exceeds the reported prevalence of Multiple Epiphyseal Dysplasia, Autosomal Dominant by approximately 400-fold (GeneReviews). It also conservatively exceeds the expected frequency for Autosomal recessive Stickler syndrome by approximately 4-fold (OrphaNet). These data, together with the existence of 2 homozygotes in gnomAD, strongly suggest that the variant is a benign polymorphism found primarily in populations of East Asian origin. To our knowledge, no occurrence of c.1402-6C>T in individuals affected with Epiphyseal Dysplasia, Multiple, 3 or Stickler syndrome, type VI and no experimental evidence demonstrating its impact on protein function have been reported. ClinVar contains an entry for this variant (Variation ID: 339292). Based on the evidence outlined above, the variant was classified as benign.